The following is an entry in ClinVar:

NM_000548.5(TSC2):c.2539C>T (p.Leu847=)

Gene: TSC2 (TSC complex subunit 2; plus strand). Cytogenetic location: 16p13.3.
Variant type: single nucleotide variant.
Coding change: c.2539C>T on transcript NM_000548.5 (MANE Select); coding-DNA position 2539, C replaced by T.
Protein change: p.Leu847=; no amino-acid change (leucine 847 retained).
Molecular consequence: synonymous variant.
Genome position (GRCh38, 1-based): chr16:2,074,383, C>T. VCF-style: chr16-2074383-C-T. GRCh37 (hg19) VCF-style: chr16-2124384-C-T.
Other names: p.L847L:CTG>TTG; c.2539C>T, p.Leu847= (NM_001370404.1, NM_001370405.1, NM_021055.3 and 3 more transcripts); c.2539C>T (NM_000548.4); c.2428C>T, p.Leu810= (NM_001318827.2); c.2392C>T, p.Leu798= (NM_001318829.2); c.1939C>T, p.Leu647= (NM_001318831.2); c.2572C>T, p.Leu858= (NM_001318832.2).
Identifiers: ClinVar variation 207672 (VCV000207672.51), dbSNP rs377300009, ClinGen allele CA039428.
Genomic context (GRCh38, chr16:2,074,383, plus strand): 5'-GTGGTGAAGCTCACGCACATCTCAGCCACAGCCAGCATGGCCGTCCCACTGCTGGAGTTC[C>T]TGTCCAGTGAGTCCCCGCCCTGCCTGCGCATGCACCCGAGAGGTTCGGGCTGTGTAACCT-3'
Protein context (NP_000539.2, residues 837-857): ASMAVPLLEF[Leu847=]STLARLPHLY

ClinVar aggregate classification (germline): Conflicting classifications of pathogenicity. Review status: criteria provided, conflicting classifications (1 of 4 stars). 13 submissions from 13 submitters: Uncertain significance (1); Benign (7); Likely benign (4). 1 of the submissions does not count toward it. Last evaluated 2026-07-01.

Conditions:
TSC2-related disorder. Also called: TSC2-related condition; TSC2-Related Disorders.
Hereditary cancer-predisposing syndrome. Also called: Neoplastic Syndromes, Hereditary; Tumor predisposition; Hereditary Cancer Syndrome; Hereditary neoplastic syndrome. Identifiers: Orphanet 140162, MedGen C0027672, MeSH D009386, MONDO:0015356.
Tuberous sclerosis syndrome (TSC). Also called: Tuberous sclerosis; Tuberous Sclerosis Complex. Identifiers: Orphanet 805, MedGen C0041341, MONDO:0001734.
Tuberous sclerosis 2 (TSC2). Identifiers: Orphanet 805, MedGen C1860707, MONDO:0013199, OMIM 613254.

Allele frequency attached by ClinVar (database versions not stated): gnomAD 0.00004 and 0.00007; TOPMed 0.00006; 1000 Genomes Project 0.00020; gnomAD exomes 0.00026; ExAC 0.00032; ESP Exome Variant Server 0.00008; 1000 Genomes Project 30x 0.00016.
gnomAD v4.1: 200 of 1,610,698 alleles (0.012%); highest among the groups gnomAD compares: Middle Eastern, 0.23%; 3 homozygotes.

Submissions (13):

CeGaT Center for Human Genetics Tuebingen
Classification: Likely benign. Last evaluated: 2026-07-01. Review status: criteria provided, single submitter. Criteria: CeGaT Center For Human Genetics Tuebingen Variant Classification Criteria Version 2. Collection method: clinical testing. Allele origin: germline. Affected: yes. Observed: 6 variant alleles.
Comment: TSC2: BP4, BS2

Labcorp Genetics (formerly Invitae), Labcorp
Classification: Benign for Tuberous sclerosis 2. Last evaluated: 2026-02-03. Review status: criteria provided, single submitter. Criteria: Invitae Variant Classification Sherloc (09022015). Collection method: clinical testing. Allele origin: germline.

Myriad Genetics, Inc.
Classification: Benign for Tuberous sclerosis 2. Last evaluated: 2025-05-20. Review status: criteria provided, single submitter. Criteria: Myriad Autosomal Dominant, Autosomal Recessive and X-Linked Classification Criteria (2023). Collection method: clinical testing. Allele origin: unknown.
Comment: This variant is considered benign. This variant is a silent/synonymous amino acid change and it is not expected to impact splicing.

Blueprint Genetics
Classification: Likely benign. Last evaluated: 2024-11-07. Review status: criteria provided, single submitter. Criteria: ACMG Guidelines, 2015. Collection method: clinical testing. Allele origin: germline.

All of Us Research Program, National Institutes of Health
Classification: Benign for Tuberous sclerosis syndrome. Last evaluated: 2023-11-28. Review status: criteria provided, single submitter. Criteria: ACMG Guidelines, 2015. Collection method: clinical testing. Allele origin: germline. Inheritance: Autosomal dominant inheritance. Observed: 28 variant alleles, 28 heterozygotes.
Comment: This study involves interpretation of variants in research participants for the purpose of population health screening. Participant phenotype was not available at the time of variant classification. Additional details can be found in publication PMID: 35346344, PMCID: PMC8962531

KCCC/NGS Laboratory, Kuwait Cancer Control Center
Classification: Benign for Tuberous sclerosis 2. Last evaluated: 2023-07-07. Review status: criteria provided, single submitter. Criteria: ACMG Guidelines, 2015. Collection method: clinical testing. Allele origin: germline. Affected: yes.

Color Diagnostics, LLC DBA Color Health
Classification: Benign for Tuberous sclerosis syndrome. Last evaluated: 2022-09-20. Review status: criteria provided, single submitter. Criteria: ACMG Guidelines, 2015. Collection method: clinical testing. Allele origin: germline.

Sema4
Classification: Likely benign for Hereditary cancer-predisposing syndrome. Last evaluated: 2022-03-05. Review status: criteria provided, single submitter. Criteria: Sema4 Curation Guidelines. Collection method: curation. Allele origin: germline.

Genome-Nilou Lab
Classification: Benign for Tuberous sclerosis 2. Last evaluated: 2021-11-07. Review status: criteria provided, single submitter. Criteria: ACMG Guidelines, 2015. Collection method: clinical testing. Allele origin: germline. Affected: no.

Illumina Laboratory Services, Illumina
Classification: Uncertain significance for Tuberous sclerosis syndrome. Last evaluated: 2018-02-12. Review status: criteria provided, single submitter. Criteria: ICSL Variant Classification Criteria 13 December 2019. Collection method: clinical testing. Allele origin: germline.

Ambry Genetics
Classification: Likely benign for Hereditary cancer-predisposing syndrome. Last evaluated: 2015-01-20. Review status: criteria provided, single submitter. Criteria: Ambry Variant Classification Scheme 2023. Collection method: clinical testing. Allele origin: germline.

GeneDx
Classification: Benign. Last evaluated: 2014-10-27. Review status: criteria provided, single submitter. Criteria: GeneDx Variant Classification (06012015). Collection method: clinical testing. Allele origin: germline. Affected: yes.
Comment: This variant is considered likely benign or benign based on one or more of the following criteria: it is a conservative change, it occurs at a poorly conserved position in the protein, it is predicted to be benign by multiple in silico algorithms, and/or has population frequency not consistent with disease.

PreventionGenetics, part of Exact Sciences
Classification: Likely benign for TSC2-related condition. Last evaluated: 2019-07-26. Review status: no assertion criteria provided. Collection method: clinical testing. Allele origin: germline. Not counted in ClinVar's aggregate classification.
Comment: This variant is classified as likely benign based on ACMG/AMP sequence variant interpretation guidelines (Richards et al. 2015 PMID: 25741868, with internal and published modifications).